The following is an entry in ClinVar:

ClinVar aggregate classification (germline): Uncertain significance (1 of 4 stars; one submission).

Conditions:
Acrocallosal syndrome (ACLS). Also called: Schinzel syndrome 1; Absence of corpus callosum with unusual facial appearance, mental deficiency, duplication of the halluces and polydactyly; HALLUX DUPLICATION, POSTAXIAL POLYDACTYLY, AND ABSENCE OF CORPUS CALLOSUM. Identifiers: Orphanet 36, MedGen C0796147, MONDO:0008708, OMIM 200990.

Allele frequency attached by ClinVar (database versions not stated): gnomAD 0.00001; gnomAD exomes 0.00001; TOPMed 0.00002.
gnomAD v4.1: 4 of 1,589,516 alleles (0.00025%); highest among the groups gnomAD compares: Admixed American, 0.0067%; no homozygotes.

Submission:

Labcorp Genetics (formerly Invitae), Labcorp
Classification: Uncertain significance for Acrocallosal syndrome. Last evaluated: 2022-09-07. Review status: criteria provided, single submitter. Criteria: Invitae Variant Classification Sherloc (09022015). Collection method: clinical testing. Allele origin: germline.
Comment: In summary, the available evidence is currently insufficient to determine the role of this variant in disease. Therefore, it has been classified as a Variant of Uncertain Significance. Variants that disrupt the consensus splice site are a relatively common cause of aberrant splicing (PMID: 17576681, 9536098). Algorithms developed to predict the effect of sequence changes on RNA splicing suggest that this variant is not likely to affect RNA splicing. ClinVar contains an entry for this variant (Variation ID: 1022662). This variant has not been reported in the literature in individuals affected with KIF7-related conditions. This variant is not present in population databases (gnomAD no frequency). This sequence change falls in intron 17 of the KIF7 gene. It does not directly change the encoded amino acid sequence of the KIF7 protein. It affects a nucleotide within the consensus splice site.

Literature cited by the submitters: PubMed 17576681; PubMed 9536098.

NM_198525.3(KIF7):c.3517+4A>G

Genes: KIF7 (kinesin family member 7; minus strand), LOC126862216 (BRD4-independent group 4 enhancer GRCh37_chr15:90171995-90173194; plus strand). Cytogenetic location: 15q26.1.
Variant type: single nucleotide variant.
Coding change: c.3517+4A>G on transcript NM_198525.3 (MANE Select); 4 bases into the intron after coding-DNA position 3517, A replaced by G.
Molecular consequence: intron variant.
Genome position (GRCh38, 1-based): chr15:89,629,371, T>C on the plus strand (A>G on the coding strand, the complement: KIF7 is on the minus strand). VCF-style: chr15-89629371-T-C. GRCh37 (hg19) VCF-style: chr15-90172602-T-C.
Identifiers: ClinVar variation 1022662 (VCV001022662.5), dbSNP rs1305466322, ClinGen allele CA716954834.